The following is an entry in ClinVar:

NM_000263.4(NAGLU):c.203G>A (p.Gly68Asp)

Genes: NAGLU (N-acetyl-alpha-glucosaminidase; plus strand), LOC130060903 (ATAC-STARR-seq lymphoblastoid silent region 8533; plus strand). Cytogenetic location: 17q21.2.
Variant type: single nucleotide variant.
Coding change: c.203G>A on transcript NM_000263.4 (MANE Select); coding-DNA position 203, G replaced by A.
Protein change: p.Gly68Asp; replaces glycine 68 with aspartic acid.
Molecular consequence: missense variant.
Genome position (GRCh38, 1-based): chr17:42,536,475, G>A. VCF-style: chr17-42536475-G-A. GRCh37 (hg19) VCF-style: chr17-40688493-G-A.
Other names: c.203G>A (NM_000263.3); short protein forms G68D.
Identifiers: ClinVar variation 1426229 (VCV001426229.5), dbSNP rs929286583, ClinGen allele CA290771335.

ClinVar aggregate classification (germline): Uncertain significance. Review status: criteria provided, multiple submitters, no conflicts (2 of 4 stars). 2 submissions from 2 submitters: Uncertain significance (2). Last evaluated 2025-05-13.

Conditions:
Inborn genetic diseases. Identifiers: MedGen C0950123, MeSH D030342.
Mucopolysaccharidosis, MPS-III-B (MPS3B). Also called: N-ACETYL-ALPHA-D-GLUCOSAMINIDASE DEFICIENCY; NAGLU DEFICIENCY; SANFILIPPO SYNDROME B; MPS III B; MPS IIIB (Sanfilippo Syndrome Type B); MUCOPOLYSACCHARIDOSIS, TYPE IIIB. Identifiers: Orphanet 79270, MedGen C0086648, MONDO:0009656, OMIM 252920.
Charcot-Marie-Tooth disease axonal type 2V. Also called: CHARCOT-MARIE-TOOTH NEUROPATHY, TYPE 2V; CHARCOT-MARIE-TOOTH DISEASE, AXONAL, AUTOSOMAL DOMINANT, TYPE 2V. Identifiers: Orphanet 447964, MedGen C5569050, MONDO:0014665, OMIM 616491.

Allele frequency attached by ClinVar (database versions not stated): gnomAD exomes 0.00005 and 0.00014; gnomAD 0.00004; TOPMed 0.00004.

Submissions (2):

Ambry Genetics
Classification: Uncertain significance for Inborn genetic diseases. Last evaluated: 2025-05-13. Review status: criteria provided, single submitter. Criteria: Ambry Variant Classification Scheme 2023. Collection method: clinical testing. Allele origin: germline.

Labcorp Genetics (formerly Invitae), Labcorp
Classification: Uncertain significance for Charcot-Marie-Tooth disease axonal type 2V; Mucopolysaccharidosis, MPS-III-B. Last evaluated: 2022-07-29. Review status: criteria provided, single submitter. Criteria: Invitae Variant Classification Sherloc (09022015). Collection method: clinical testing. Allele origin: germline.
Comment: This sequence change replaces glycine, which is neutral and non-polar, with aspartic acid, which is acidic and polar, at codon 68 of the NAGLU protein (p.Gly68Asp). The frequency data for this variant in the population databases is considered unreliable, as metrics indicate poor data quality at this position in the gnomAD database. This variant has not been reported in the literature in individuals affected with NAGLU-related conditions. ClinVar contains an entry for this variant (Variation ID: 1426229). Advanced modeling of protein sequence and biophysical properties (such as structural, functional, and spatial information, amino acid conservation, physicochemical variation, residue mobility, and thermodynamic stability) performed at Invitae indicates that this missense variant is not expected to disrupt NAGLU protein function. In summary, the available evidence is currently insufficient to determine the role of this variant in disease. Therefore, it has been classified as a Variant of Uncertain Significance.